The following is an entry in ClinVar:

NM_007255.3(B4GALT7):c.242C>T (p.Pro81Leu)

Gene: B4GALT7 (beta-1,4-galactosyltransferase 7; plus strand). Cytogenetic location: 5q35.3.
Variant type: single nucleotide variant.
Coding change: c.242C>T on transcript NM_007255.3 (MANE Select); coding-DNA position 242, C replaced by T.
Protein change: p.Pro81Leu; replaces proline 81 with leucine.
Molecular consequence: missense variant.
Genome position (GRCh38, 1-based): chr5:177,604,370, C>T. VCF-style: chr5-177604370-C-T. GRCh37 (hg19) VCF-style: chr5-177031371-C-T.
Other names: short protein forms P81L.
Identifiers: ClinVar variation 3774899 (VCV003774899.1).

ClinVar aggregate classification (germline): Uncertain significance (1 of 4 stars; one submission).

Submission:

GeneDx
Classification: Uncertain significance. Last evaluated: 2024-09-30. Review status: criteria provided, single submitter. Criteria: GeneDx Variant Classification Process June 2021. Collection method: clinical testing. Allele origin: germline. Affected: yes.
Comment: Not observed at significant frequency in large population cohorts (gnomAD); In silico analysis indicates that this missense variant does not alter protein structure/function; Has not been previously published as pathogenic or benign to our knowledge